The following continues an entry in ClinVar:

NM_003235.5(TG):c.229G>A (p.Gly77Ser)

Gene: TG. ClinVar aggregate classification (germline): Conflicting classifications of pathogenicity. Pathogenic (4); Likely pathogenic (6); Uncertain significance (8).

Submissions 12 to 20 of 20:

Labcorp Genetics (formerly Invitae), Labcorp
Classification: Uncertain significance. Last evaluated: 2022-06-08. Review status: criteria provided, single submitter. Criteria: Invitae Variant Classification Sherloc (09022015). Collection method: clinical testing. Allele origin: germline.
Comment: This sequence change replaces glycine, which is neutral and non-polar, with serine, which is neutral and polar, at codon 77 of the TG protein (p.Gly77Ser). This variant is present in population databases (rs142698837, gnomAD 0.1%), and has an allele count higher than expected for a pathogenic variant. This missense change has been observed in individual(s) with congenital hypothyroidism (PMID: 10403171, 29590070, 34248839). ClinVar contains an entry for this variant (Variation ID: 436996). Algorithms developed to predict the effect of missense changes on protein structure and function are either unavailable or do not agree on the potential impact of this missense change (SIFT: "Deleterious"; PolyPhen-2: "Probably Damaging"; Align-GVGD: "Class C0"). Studies have shown that this missense change is associated with altered splicing resulting in unknown protein product impact (PMID: 29590070). In summary, the available evidence is currently insufficient to determine the role of this variant in disease. Therefore, it has been classified as a Variant of Uncertain Significance.

Fulgent Genetics
Classification: Uncertain significance for Iodotyrosyl coupling defect; Autoimmune thyroid disease, susceptibility to, 3. Last evaluated: 2018-10-31. Review status: criteria provided, single submitter. Criteria: ACMG Guidelines, 2015. Collection method: clinical testing. Allele origin: unknown.

Laboratory for Molecular Medicine, Mass General Brigham Personalized Medicine
Classification: Uncertain significance. Last evaluated: 2018-07-18. Review status: criteria provided, single submitter. Criteria: LMM Criteria. Collection method: clinical testing. Allele origin: germline. Inheritance: Autosomal recessive inheritance. Observed: 1 variant allele.
Comment: Variant classified as Uncertain Significance - Favor Pathogenic. The p.Gly77Ser variant in TG has been reported in the homozygous state in 3 individuals with co ngenital hypothyroidism (van de Graaf 1999) and has been reported in ClinVar (Va riation ID: 436996). This variant has been identified in 0.13% (167/126550) of E uropean chromosomes by the Genome Aggregation Database (gnomAD; dbSNP rs142698837). Although this variant has been seen in the general population, its frequency is not high enough to rule out a pathogenic r ole. In vitro functional studies suggest that the p.Gly77Ser variant leads to th e use of an alternative splice site (Bastarache 2018); however, these types of a ssays may not accurately represent biological function. In summary, while there is some suspicion for a pathogenic role, the clinical significance of this varia nt is uncertain. ACMG/AMP criteria applied: PS4_Moderate, PS3_Supporting, PM3_Su pporting.

Center for Precision Medicine, Vanderbilt University Medical Center
Classification: Pathogenic for Iodotyrosyl coupling defect. Last evaluated: 2018-03-16. Review status: criteria provided, single submitter. Criteria: ACMG Guidelines, 2015. Collection method: research, in vitro. Allele origin: germline. Inheritance: Autosomal recessive inheritance. Observed: 69 variant alleles, 69 heterozygotes. Clinical features observed: hypothyroidism, simple goiter, thyroid cancer, mental retardation.

Illumina Laboratory Services, Illumina
Classification: Uncertain significance for Iodotyrosyl coupling defect. Last evaluated: 2017-04-27. Review status: criteria provided, single submitter. Criteria: ICSL Variant Classification Criteria 13 December 2019. Collection method: clinical testing. Allele origin: germline.
Comment: This variant was observed as part of a predisposition screen in an ostensibly healthy population. A literature search was performed for the gene, cDNA change, and amino acid change (where applicable). Publications were found based on this search. However, the evidence from the literature, in combination with allele frequency data from public databases where available, was not sufficient to rule this variant in or out of causing disease. Therefore, this variant is classified as a variant of unknown significance.

Genetic Services Laboratory, University of Chicago
Classification: Uncertain significance. Last evaluated: 2016-11-07. Review status: criteria provided, single submitter. Criteria: ACMG Guidelines, 2015. Collection method: clinical testing. Allele origin: germline. Affected: no.

Clinical Biomedical Laboratory, Shriners Hospital For Children - Canada
Classification: Likely pathogenic for Iodotyrosyl coupling defect. Review status: criteria provided, single submitter. Criteria: ACMG Guidelines, 2015. Collection method: clinical testing. Allele origin: germline. Affected: yes.
Comment: This variant is present at low frequency in the Genome Aggregation Database (gnomAD v2.1.1), indicating it is rare. Computational tools (REVEL: 0.82) suggest that the amino acid change is deleterious to protein function. Defects in this gene are associated with thyroid dyshormonogenesis 3, which corresponds to the phenotype of the proband. The variant has been reported several times in individuals with thyroid disease (e.g., PMID 34780050). Based on the ACMG variant interpretation guidelines (criteria: PM3, PS3, PM2, PP3), the available evidence supports classification of this variant as likely pathogenic.

Clinical Genetics DNA and cytogenetics Diagnostics Lab, Erasmus MC, Erasmus Medical Center
Classification: Likely pathogenic. Review status: no assertion criteria provided. Collection method: clinical testing. Allele origin: germline. Affected: yes. Study: VKGL Data-share Consensus. Not counted in ClinVar's aggregate classification.

Clinical Genetics, Academic Medical Center
Classification: Pathogenic. Review status: no assertion criteria provided. Collection method: clinical testing. Allele origin: germline. Affected: yes. Study: VKGL Data-share Consensus. Not counted in ClinVar's aggregate classification.

Literature cited by the submitters: PubMed 34780050 (cited by 3 submitters); PubMed 34484748 (cited by Dasa and Genetics and Molecular Pathology, SA Pathology); PubMed 34248839 (cited by 3 submitters); PubMed 29590070 (cited by 4 submitters); PubMed 19438905 (cited by Women's Health and Genetics/Laboratory Corporation of America, LabCorp); PubMed 10403171 (cited by 5 submitters); PubMed 19339519 (cited by Center for Precision Medicine, Vanderbilt University Medical Center).